The following is an entry in ClinVar:

NM_003073.5(SMARCB1):c.500+59G>A

Gene: SMARCB1 (SWI/SNF related BAF chromatin remodeling complex subunit B1; plus strand). Cytogenetic location: 22q11.23.
Variant type: single nucleotide variant.
Coding change: c.500+59G>A on transcript NM_003073.5 (MANE Select); 59 bases into the intron after coding-DNA position 500, G replaced by A.
Molecular consequence: intron variant.
Genome position (GRCh38, 1-based): chr22:23,801,140, G>A. VCF-style: chr22-23801140-G-A. GRCh37 (hg19) VCF-style: chr22-24143327-G-A.
Other names: c.554+5G>A (NM_001362877.2); c.527+5G>A (NM_001317946.2); c.473+59G>A (NM_001007468.3).
Identifiers: ClinVar variation 3037799 (VCV003037799.2), dbSNP rs755893089, ClinGen allele CA10145937.

ClinVar aggregate classification (germline): Likely benign (0 of 4 stars; one submission).

Conditions:
SMARCB1-related disorder. Also called: SMARCB1-related condition; SMARCB1-related disorders.

Allele frequency attached by ClinVar (database versions not stated): ExAC 0.00002; gnomAD exomes 0.00002; gnomAD 0.00003; TOPMed 0.00003.
gnomAD v4.1: 34 of 1,613,510 alleles (0.0021%); highest among the groups gnomAD compares: Non-Finnish European, 0.0027%; no homozygotes.

Submission:

PreventionGenetics, part of Exact Sciences
Classification: Likely benign for SMARCB1-related condition. Last evaluated: 2019-05-22. Review status: no assertion criteria provided. Collection method: clinical testing. Allele origin: germline.
Comment: This variant is classified as likely benign based on ACMG/AMP sequence variant interpretation guidelines (Richards et al. 2015 PMID: 25741868, with internal and published modifications).